The following is an entry in ClinVar:

ClinVar aggregate classification (germline): Uncertain significance. Review status: criteria provided, multiple submitters, no conflicts (2 of 4 stars). 2 submissions from 2 submitters: Uncertain significance (2). Last evaluated 2023-05-27.

Conditions:
Dyskinesia with orofacial involvement, autosomal dominant (DSKOD). Also called: Familial Dyskinesia with Facial Myokymia (FDFM); Dyskinesia, familial, with facial myokymia; Familial dyskinesia and facial myokymia. Identifiers: Orphanet 324588, MedGen C1847627, MONDO:0800028, OMIM 606703.

Submissions (2):

Labcorp Genetics (formerly Invitae), Labcorp
Classification: Uncertain significance. Last evaluated: 2023-05-27. Review status: criteria provided, single submitter. Criteria: Invitae Variant Classification Sherloc (09022015). Collection method: clinical testing. Allele origin: germline.
Comment: In summary, the available evidence is currently insufficient to determine the role of this variant in disease. Therefore, it has been classified as a Variant of Uncertain Significance. Experimental studies and prediction algorithms are not available or were not evaluated, and the functional significance of this variant is currently unknown. ClinVar contains an entry for this variant (Variation ID: 918056). This variant has not been reported in the literature in individuals affected with ADCY5-related conditions. The frequency data for this variant in the population databases is considered unreliable, as metrics indicate poor data quality at this position in the gnomAD database. This variant, c.237_239del, results in the deletion of 1 amino acid(s) of the ADCY5 protein (p.Asp80del), but otherwise preserves the integrity of the reading frame.

Foundation for Research in Genetics and Endocrinology, FRIGE's Institute of Human Genetics
Classification: Uncertain significance for Dyskinesia with orofacial involvement, autosomal dominant. Last evaluated: 2020-04-13. Review status: criteria provided, single submitter. Criteria: ACMG Guidelines, 2015. Collection method: clinical testing. Allele origin: germline. Inheritance: Autosomal dominant inheritance. Affected: yes. Observed: 1 heterozygote.
Comment: A heterozygous 2 base pair deletion in exon 1 of the ADCY5 gene that results in an in-frame deletion of amino acids was detected. The observed variant c.237_239del (p.Asp80del) has not been reported in the 1000 genomes database and has a minor allele frequency of 0.09% in the ExAC databases. The reference codon is conserved across species. In summary, the variant meets our criteria to be classified as a variant of uncertain significance.

NM_183357.3(ADCY5):c.225CGA[4] (p.Asp80del)

Gene: ADCY5 (adenylate cyclase 5; minus strand). Cytogenetic location: 3q21.1.
Variant type: Microsatellite.
Coding change: c.225CGA[4] on transcript NM_183357.3 (MANE Select); four copies in a row of the 3-base unit CGA starting at c.225; the reference has five copies in a row; one copy, 3 bases deleted.
Protein change: p.Asp80del; deletes aspartic acid 80.
Molecular consequence: inframe deletion.
Genome position (GRCh38, 1-based): chr3:123,448,307-123,448,309, TCG deleted on the plus strand (CGA on the coding strand, the reverse complement: ADCY5 is on the minus strand); deleting any 3 consecutive bases within chr3:123,448,307-123,448,321 gives the same sequence; the position shown is the placement nearest the transcript's 3' end. VCF-style (leftmost placement, unchanged base first): chr3-123448306-ATCG-A. GRCh37 (hg19) VCF-style: chr3-123167153-ATCG-A.
Other names: c.225CGA[4], p.Asp80del (NM_001378259.1); short protein forms D80del.
Identifiers: ClinVar variation 918056 (VCV000918056.6), dbSNP rs754577305, ClinGen allele CA2577717.